The following is an entry in ClinVar:

NM_001357.5(DHX9):c.2376G>T (p.Glu792Asp)

Gene: DHX9 (DExH-box helicase 9; plus strand). Cytogenetic location: 1q25.3.
Variant type: single nucleotide variant.
Coding change: c.2376G>T on transcript NM_001357.5 (MANE Select); coding-DNA position 2376, G replaced by T.
Protein change: p.Glu792Asp; replaces glutamic acid 792 with aspartic acid.
Molecular consequence: missense variant. On other transcripts: non-coding transcript variant (1).
Genome position (GRCh38, 1-based): chr1:182,879,274, G>T. VCF-style: chr1-182879274-G-T. GRCh37 (hg19) VCF-style: chr1-182848409-G-T.
Other names: short protein forms E792D.
Identifiers: ClinVar variation 4537767 (VCV004537767.1).
Genomic context (GRCh38, chr1:182,879,274, plus strand): 5'-AAGGAGGATGGTTATTTTATGCTTATTTTCTCTTAGACTTGAAACCCACATGACACCAGA[G>T]ATGTTCCGAACACCATTGCATGAAATTGCTCTTAGCATAAAACTTCTGCGTCTAGGAGGA-3'
Protein context (NP_001348.2, residues 782-802): FERLETHMTP[Glu792Asp]MFRTPLHEIA

ClinVar aggregate classification (germline): Uncertain significance (1 of 4 stars; one submission).

Submission:

GeneDx
Classification: Uncertain significance. Last evaluated: 2025-06-13. Review status: criteria provided, single submitter. Criteria: GeneDx Variant Classification Process June 2021. Collection method: clinical testing. Allele origin: germline. Affected: yes.
Comment: Not observed at significant frequency in large population cohorts (gnomAD); In silico analysis supports that this missense variant has a deleterious effect on protein structure/function; Has not been previously published as pathogenic or benign to our knowledge